The following is an entry in ClinVar:

NM_004380.3(CREBBP):c.6621_6629del (p.Gln2214_Gln2216del)

Gene: CREBBP (CREB binding lysine acetyltransferase; minus strand). Cytogenetic location: 16p13.3.
Variant type: Deletion.
Coding change: c.6621_6629del on transcript NM_004380.3 (MANE Select); coding-DNA positions 6621 to 6629, 9 bases deleted (ACAACAGCA; older notation c.6621_6629delACAACAGCA).
Protein change: p.Gln2214_Gln2216del.
Molecular consequence: inframe deletion.
Genome position (GRCh38, 1-based): chr16:3,728,418-3,728,426, TGCTGTTGT deleted on the plus strand (ACAACAGCA on the coding strand, the reverse complement: CREBBP is on the minus strand); deleting any 9 consecutive bases within chr16:3,728,418-3,728,431 gives the same sequence; the c. name uses the placement nearest the transcript's 3' end. VCF-style (leftmost placement, unchanged base first): chr16-3728417-CTGCTGTTGT-C. GRCh37 (hg19) VCF-style: chr16-3778418-CTGCTGTTGT-C.
Other names: c.6507_6515del, p.Gln2176_Gln2178del (NM_001079846.1); c.6621_6629del9 (NM_004380.2).
Identifiers: ClinVar variation 166961 (VCV000166961.8), dbSNP rs727503890, ClinGen allele CA179938.

ClinVar aggregate classification (germline): Benign/Likely benign. Review status: criteria provided, multiple submitters, no conflicts (2 of 4 stars). 3 submissions from 3 submitters: Benign (1); Likely benign (1). 1 of the submissions does not count toward it. Last evaluated 2022-01-05.

Conditions:
Menke-Hennekam syndrome 1 (MKHK1). Identifiers: MedGen C5193034, MONDO:0020763, OMIM 618332.
Rubinstein-Taybi syndrome due to CREBBP mutations (RSTS1). Also called: CREBBP-Related Rubinstein-Taybi Syndrome; RUBINSTEIN-TAYBI SYNDROME 1, INCOMPLETE; RUBINSTEIN SYNDROME; BROAD THUMBS AND GREAT TOES, CHARACTERISTIC FACIES, AND IMPAIRED INTELLECTUAL DEVELOPMENT; BROAD THUMB-HALLUX SYNDROME; Rubinstein-Taybi syndrome 1. Identifiers: Orphanet 353277, Orphanet 783, MedGen C4551859, MONDO:0008393, OMIM 180849.
CREBBP-related disorder. Also called: CREBBP-related disorders; CREBBP-related condition.

Submissions (3):

Fulgent Genetics
Classification: Likely benign for Rubinstein-Taybi syndrome due to CREBBP mutations; Menke-Hennekam syndrome 1. Last evaluated: 2022-01-05. Review status: criteria provided, single submitter. Criteria: ACMG Guidelines, 2015. Collection method: clinical testing. Allele origin: unknown.

Eurofins Ntd Llc (ga)
Classification: Benign. Last evaluated: 2013-12-18. Review status: criteria provided, single submitter. Criteria: EGL Classification Definitions 2015. Collection method: clinical testing. Allele origin: germline. Observed: 1 variant allele, 1 heterozygote.

PreventionGenetics, part of Exact Sciences
Classification: Likely benign for CREBBP-related condition. Last evaluated: 2024-08-07. Review status: no assertion criteria provided. Collection method: clinical testing. Allele origin: germline. Not counted in ClinVar's aggregate classification.
Comment: This variant is classified as likely benign based on ACMG/AMP sequence variant interpretation guidelines (Richards et al. 2015 PMID: 25741868, with internal and published modifications).